The following is an entry in ClinVar:

ClinVar aggregate classification (germline): Uncertain significance. Review status: criteria provided, multiple submitters, no conflicts (2 of 4 stars). 2 submissions from 2 submitters: Uncertain significance (2). Last evaluated 2024-09-18.

Conditions:
Epidermolysis bullosa simplex with nail dystrophy (EBS5D). Identifiers: MedGen C4225309, MONDO:0014661, OMIM 616487.
Epidermolysis bullosa simplex, Ogna type (EBS5A). Also called: EPIDERMOLYSIS BULLOSA SIMPLEX 5A, OGNA TYPE; Pidermolysis bullosa simplex 5A, Ogna type. Identifiers: Orphanet 79401, MedGen C0432317, MONDO:0007555, OMIM 131950.
Epidermolysis bullosa simplex 5C, with pyloric atresia (EBS5C). Also called: PLEC1-Related Epidermolysis Bullosa with Pyloric Atresia; PLEC-Related Epidermolysis Bullosa with Pyloric Atresia; Epidermolysis bullosa simplex with pyloric atresia. Identifiers: Orphanet 158684, MedGen C2677349, MONDO:0012807, OMIM 612138.
Autosomal recessive limb-girdle muscular dystrophy type 2Q (LGMDR17). Also called: MUSCULAR DYSTROPHY, LIMB-GIRDLE, AUTOSOMAL RECESSIVE 17. Identifiers: Orphanet 254361, MedGen C3150989, MONDO:0013390, OMIM 613723.
Epidermolysis bullosa simplex 5B, with muscular dystrophy (EBS5B). Also called: EPIDERMOLYSIS BULLOSA SIMPLEX AND LIMB-GIRDLE MUSCULAR DYSTROPHY; Epidermolysis bullosa simplex with muscular dystrophy. Identifiers: Orphanet 257, MedGen C2931072, MONDO:0009181, OMIM 226670.
Inborn genetic diseases. Identifiers: MedGen C0950123, MeSH D030342.

Allele frequency attached by ClinVar (database versions not stated): TOPMed below 0.00001; gnomAD 0.00001.
gnomAD v4.1: 75 of 1,596,680 alleles (0.0047%); highest among the groups gnomAD compares: Non-Finnish European, 0.006%; no homozygotes.

Submissions (2):

Ambry Genetics
Classification: Uncertain significance for Inborn genetic diseases. Last evaluated: 2024-09-18. Review status: criteria provided, single submitter. Criteria: Ambry Variant Classification Scheme 2023. Collection method: clinical testing. Allele origin: germline.

Labcorp Genetics (formerly Invitae), Labcorp
Classification: Uncertain significance for Autosomal recessive limb-girdle muscular dystrophy type 2Q; Epidermolysis bullosa simplex, Ogna type; Epidermolysis bullosa simplex with nail dystrophy; Epidermolysis bullosa simplex 5C, with pyloric atresia; Epidermolysis bullosa simplex 5B, with muscular dystrophy. Last evaluated: 2024-02-02. Review status: criteria provided, single submitter. Criteria: Invitae Variant Classification Sherloc (09022015). Collection method: clinical testing. Allele origin: germline.
Comment: This sequence change replaces serine, which is neutral and polar, with glycine, which is neutral and non-polar, at codon 3212 of the PLEC protein (p.Ser3212Gly). The frequency data for this variant in the population databases is considered unreliable, as metrics indicate poor data quality at this position in the gnomAD database. This variant has not been reported in the literature in individuals affected with PLEC-related conditions. Algorithms developed to predict the effect of missense changes on protein structure and function output the following: SIFT: "Not Available"; PolyPhen-2: "Benign"; Align-GVGD: "Not Available". The glycine amino acid residue is found in multiple mammalian species, which suggests that this missense change does not adversely affect protein function. In summary, the available evidence is currently insufficient to determine the role of this variant in disease. Therefore, it has been classified as a Variant of Uncertain Significance.

NM_201384.3(PLEC):c.9553A>G (p.Ser3185Gly)

Gene: PLEC (plectin; minus strand). Cytogenetic location: 8q24.3.
Variant type: single nucleotide variant.
Coding change: c.9553A>G on transcript NM_201384.3 (MANE Select); coding-DNA position 9553, A replaced by G.
Protein change: p.Ser3185Gly; replaces serine 3185 with glycine.
Molecular consequence: missense variant.
Genome position (GRCh38, 1-based): chr8:143,920,268, T>C on the plus strand (A>G on the coding strand, the complement: PLEC is on the minus strand). VCF-style: chr8-143920268-T-C. GRCh37 (hg19) VCF-style: chr8-144994436-T-C.
Other names: c.9634A>G (NM_000445.3); c.9634A>G, p.Ser3212Gly (NM_000445.5); c.6253A>G, p.Ser2085Gly (NM_001410941.1); c.9511A>G, p.Ser3171Gly (NM_201378.4); c.9487A>G, p.Ser3163Gly (NM_201379.3); c.9964A>G, p.Ser3322Gly (NM_201380.4); c.9457A>G, p.Ser3153Gly (NM_201381.3); c.9553A>G, p.Ser3185Gly (NM_201382.4); and 1 more; short protein forms S3185G, S3189G, S3163G, S3171G, S2085G, S3153G, S3212G, S3322G.
Identifiers: ClinVar variation 2923666 (VCV002923666.4), dbSNP rs1235685722, ClinGen allele CA372508064.
Genomic context (GRCh38, chr8:143,920,268, plus strand): 5'-TCAGCTGGTCGGGCCGGCACCGCTGCTGGAGCTCGCCGTAGGTGGCCGGCTCCCCTGTGC[T>C]GGGGTCACTGTAGGCCTTGGCGTCGGCCCTTGGTGCCGACAGGGCCCTGCTGGTCTCCTC-3'
Protein context (NP_958786.1, residues 3175-3195): RADAKAYSDP[Ser3185Gly]TGEPATYGEL